The following is an entry in ClinVar:

NM_000256.3(MYBPC3):c.3473T>C (p.Val1158Ala)

Gene: MYBPC3 (myosin binding protein C3; minus strand). Cytogenetic location: 11p11.2.
Variant type: single nucleotide variant.
Coding change: c.3473T>C on transcript NM_000256.3 (MANE Select); coding-DNA position 3473, T replaced by C.
Protein change: p.Val1158Ala; replaces valine 1158 with alanine.
Molecular consequence: missense variant.
Genome position (GRCh38, 1-based): chr11:47,332,831, A>G on the plus strand (T>C on the coding strand, the complement: MYBPC3 is on the minus strand). VCF-style: chr11-47332831-A-G. GRCh37 (hg19) VCF-style: chr11-47354382-A-G.
Other names: short protein forms V1158A.
Identifiers: ClinVar variation 3387092 (VCV003387092.3).

ClinVar aggregate classification (germline): Uncertain significance. Review status: criteria provided, multiple submitters, no conflicts (2 of 4 stars). 3 submissions from 3 submitters: Uncertain significance (3). Last evaluated 2026-01-26.

Conditions:
Hypertrophic cardiomyopathy. Also called: HYPERTROPHIC MYOCARDIOPATHY. Identifiers: Orphanet 217569, MedGen C0007194, MeSH D002312, MONDO:0005045, HP:0001639.
Cardiomyopathy (CMYO). Also called: Cardiomyopathies. Identifiers: Orphanet 167848, MedGen C0878544, MONDO:0004994, HP:0001638. Inheritance: Various modes of inheritance.

gnomAD v4.1: 1 of 1,607,104 alleles (0.000062%); highest among the groups gnomAD compares: Non-Finnish European, 0.000085%; no homozygotes.

Submissions (3):

Labcorp Genetics (formerly Invitae), Labcorp
Classification: Uncertain significance for Hypertrophic cardiomyopathy. Last evaluated: 2026-01-26. Review status: criteria provided, single submitter. Criteria: Invitae Variant Classification Sherloc (09022015). Collection method: clinical testing. Allele origin: germline.
Comment: This sequence change replaces valine, which is neutral and non-polar, with alanine, which is neutral and non-polar, at codon 1158 of the MYBPC3 protein (p.Val1158Ala). This variant is not present in population databases (gnomAD no frequency). This variant has not been reported in the literature in individuals affected with MYBPC3-related conditions. ClinVar contains an entry for this variant (Variation ID: 3387092). An algorithm developed to predict the effect of missense changes on protein structure and function (PolyPhen-2) suggests that this variant is likely to be tolerated. In summary, the available evidence is currently insufficient to determine the role of this variant in disease. Therefore, it has been classified as a Variant of Uncertain Significance.

Color Diagnostics, LLC DBA Color Health
Classification: Uncertain significance for Cardiomyopathy. Last evaluated: 2025-10-27. Review status: criteria provided, single submitter. Criteria: ACMG Guidelines, 2015. Collection method: clinical testing. Allele origin: germline.
Comment: This missense variant replaces valine with alanine at codon 1158 of the MYBPC3 protein. Computational prediction suggests that this variant may not impact protein structure and function. To our knowledge, functional studies have not been reported for this variant. This variant has not been reported in individuals affected with MYBPC3-related disorders in the literature. This variant has been identified in 1/1454842 chromosomes in the general population by the Genome Aggregation Database (gnomAD). The available evidence is insufficient to determine the role of this variant in disease conclusively. Therefore, this variant is classified as a Variant of Uncertain Significance.

All of Us Research Program, National Institutes of Health
Classification: Uncertain significance for Hypertrophic cardiomyopathy. Last evaluated: 2024-03-05. Review status: criteria provided, single submitter. Criteria: ACMG Guidelines, 2015. Collection method: clinical testing. Allele origin: germline. Inheritance: Autosomal dominant inheritance. Observed: 1 variant allele, 1 heterozygote.
Comment: This study involves interpretation of variants in research participants for the purpose of population health screening. Participant phenotype was not available at the time of variant classification. Additional details can be found in publication PMID: 35346344, PMCID: PMC8962531